The following continues an entry in ClinVar:

NM_000104.4(CYP1B1):c.535del (p.Ala179fs)

Gene: CYP1B1. ClinVar aggregate classification (germline): Pathogenic. Pathogenic (1).

Submissions 11 to 16 of 16:

Laboratorio de Genetica e Diagnostico Molecular, Hospital Israelita Albert Einstein
Classification: Pathogenic for Glaucoma 3A. Last evaluated: 2023-01-31. Review status: criteria provided, single submitter. Criteria: ACMG Guidelines, 2015. Collection method: clinical testing. Allele origin: germline. Affected: yes. Observed: 1 variant allele. Not counted in ClinVar's aggregate classification.
Comment: ACMG classification criteria: PVS1 very strong, PM2 supporting, PM3 strong

Fulgent Genetics
Classification: Pathogenic for Glaucoma 3A; Glaucoma 3, primary infantile, B; Anterior segment dysgenesis 6. Last evaluated: 2021-08-30. Review status: criteria provided, single submitter. Criteria: ACMG Guidelines, 2015. Collection method: clinical testing. Allele origin: unknown. Not counted in ClinVar's aggregate classification.

GeneDx
Classification: Pathogenic. Last evaluated: 2018-04-23. Review status: criteria provided, single submitter. Criteria: GeneDx Variant Classification (06012015). Collection method: clinical testing. Allele origin: germline. Affected: yes. Not counted in ClinVar's aggregate classification.
Comment: The c.535delG variant in the CYP1B1 gene has been reported previously in association with autosomal recessive primary congenital glaucoma, and has been reported as a founder mutation in the Moroccan population (Belmouden et al., 2002; Gronskov et al., 2016). This variant causes a frameshift starting with codon Alanine 179, changes this amino acid to an Arginine residue, and creates a premature Stop codon at position 18 of the new reading frame, denoted p.Ala179ArgfsX18. This variant is predicted to cause loss of normal protein function either through protein truncation or nonsense-mediated mRNA decay. The c.535delG variant is observed in 4/26120 (0.015%) alleles from individuals of Latino background and 7/182840 (0.004%) global alleles in large population cohorts, with no homozygotes identified (Lek et al., 2016). We interpret c.535delG as a pathogenic variant.

Institute of Medical Molecular Genetics, University of Zurich
Classification: Pathogenic for Glaucoma 3A. Last evaluated: 2019-08-01. Review status: no assertion criteria provided. Collection method: research. Allele origin: unknown, maternal. Affected: yes. Observed: 2 compound heterozygotes. Segregation with disease observed. Not counted in ClinVar's aggregate classification.

OMIM
Classification: Pathogenic for GLAUCOMA 3, PRIMARY CONGENITAL, A. Last evaluated: 2002-10-01. Review status: no assertion criteria provided. Collection method: literature only. Allele origin: germline. Not counted in ClinVar's aggregate classification.

OMIM
Classification: Pathogenic for ANTERIOR SEGMENT DYSGENESIS 6, PETERS ANOMALY SUBTYPE. Last evaluated: 2002-10-01. Review status: no assertion criteria provided. Collection method: literature only. Allele origin: germline. Not counted in ClinVar's aggregate classification.

Literature cited by the submitters: PubMed 9097971 (cited by Labcorp Genetics (formerly Invitae), Labcorp); PubMed 9497261 (cited by Labcorp Genetics (formerly Invitae), Labcorp); PubMed 19234632 (cited by Labcorp Genetics (formerly Invitae), Labcorp and Dasa); PubMed 12372064 (cited by 4 submitters); PubMed 23922489 (cited by Labcorp Genetics (formerly Invitae), Labcorp and Dasa); PubMed 27272408 (cited by 3 submitters); PubMed 27777502 (cited by Labcorp Genetics (formerly Invitae), Labcorp and Dasa); PubMed 27820421 (cited by Labcorp Genetics (formerly Invitae), Labcorp and Dasa); PubMed 25826643 (cited by Dasa); PubMed 32832252 (cited by Institute of Medical Molecular Genetics, University of Zurich); PubMed 32224865 (cited by OMIM).